The following is an entry in ClinVar:

ClinVar aggregate classification (germline): Conflicting classifications of pathogenicity. Review status: criteria provided, conflicting classifications (1 of 4 stars). 3 submissions from 3 submitters: Likely pathogenic (2); Uncertain significance (1). Last evaluated 2026-05-28.

Conditions:
Retinitis pigmentosa 54 (RP54). Identifiers: Orphanet 791, MedGen C3150691, MONDO:0013263, OMIM 613428.

Submissions (3):

Farin Genetics Laboratory
Classification: Likely pathogenic for Retinitis pigmentosa 54. Last evaluated: 2026-05-28. Review status: criteria provided, single submitter. Criteria: ACMG Guidelines, 2015. Collection method: clinical testing. Allele origin: germline. Inheritance: Autosomal recessive inheritance. Affected: yes. Observed: 2 variant alleles, 2 homozygotes. Clinical features observed: Rod-cone dystrophy (HP:0000510).
Comment: This homozygous missense variant in PCARE/C2ORF71 was identified in affected individual(s) with autosomal recessive PCARE-associated retinopathy/retinitis pigmentosa 54. The variant is rare in population databases and affects a protein residue considered relevant to PCARE function. Classification was performed according to ACMG/AMP 2015 criteria, considering rarity, computational evidence, recessive inheritance, segregation/zygosity data when available, and consistency of the retinal phenotype with PCARE-associated disease.

GeneDx
Classification: Likely pathogenic. Last evaluated: 2024-08-02. Review status: criteria provided, single submitter. Criteria: GeneDx Variant Classification Process June 2021. Collection method: clinical testing. Allele origin: germline. Affected: yes.
Comment: In silico analysis supports that this missense variant has a deleterious effect on protein structure/function; Not observed at significant frequency in large population cohorts (gnomAD); This variant is associated with the following publications: (PMID: 33749171, 36819107)

Labcorp Genetics (formerly Invitae), Labcorp
Classification: Uncertain significance. Last evaluated: 2021-11-01. Review status: criteria provided, single submitter. Criteria: Invitae Variant Classification Sherloc (09022015). Collection method: clinical testing. Allele origin: germline.
Comment: In summary, the available evidence is currently insufficient to determine the role of this variant in disease. Therefore, it has been classified as a Variant of Uncertain Significance. Algorithms developed to predict the effect of missense changes on protein structure and function (SIFT, PolyPhen-2, Align-GVGD) all suggest that this variant is likely to be disruptive. This variant has not been reported in the literature in individuals affected with PCARE-related conditions. This variant is not present in population databases (gnomAD no frequency). This sequence change replaces leucine, which is neutral and non-polar, with proline, which is neutral and non-polar, at codon 243 of the PCARE protein (p.Leu243Pro).

NM_001029883.3(PCARE):c.728T>C (p.Leu243Pro)

Gene: PCARE (photoreceptor cilium actin regulator; minus strand). Cytogenetic location: 2p23.2.
Variant type: single nucleotide variant.
Coding change: c.728T>C on transcript NM_001029883.3 (MANE Select); coding-DNA position 728, T replaced by C.
Protein change: p.Leu243Pro; replaces leucine 243 with proline.
Molecular consequence: missense variant.
Genome position (GRCh38, 1-based): chr2:29,073,534, A>G on the plus strand (T>C on the coding strand, the complement: PCARE is on the minus strand). VCF-style: chr2-29073534-A-G. GRCh37 (hg19) VCF-style: chr2-29296400-A-G.
Other names: p.(Leu243Pro); c.728T>C (NM_001029883.2); short protein forms L243P.
Identifiers: ClinVar variation 1433832 (VCV001433832.8), dbSNP rs2148416787, ClinGen allele CA346481670.
Genomic context (GRCh38, chr2:29,073,534, plus strand): 5'-TGCTCCTGGGGCTCTCTTTTCTTCAAAGGCCAAGCCAGATCCTCCCTGACTTCCTGCAGG[A>G]GCACTTCTCCATCCTTGGAGATCTCCCCCAACAGCTGGCTGATCTCCTCAAAGCACAGCA-3'
Protein context (NP_001025054.1, residues 233-253): LGEISKDGEV[Leu243Pro]LQEVREDLAW